The following is an entry in ClinVar:

ClinVar aggregate classification (germline): Uncertain significance (1 of 4 stars; one submission).

Conditions:
FG syndrome (FGS). Identifiers: MedGen C0220769, MONDO:0002010.

Submission:

Labcorp Genetics (formerly Invitae), Labcorp
Classification: Uncertain significance for FG syndrome. Last evaluated: 2025-06-22. Review status: criteria provided, single submitter. Criteria: Invitae Variant Classification Sherloc (09022015). Collection method: clinical testing. Allele origin: germline.
Comment: This sequence change replaces alanine, which is neutral and non-polar, with valine, which is neutral and non-polar, at codon 735 of the MED12 protein (p.Ala735Val). This variant is not present in population databases (gnomAD no frequency). This variant has not been reported in the literature in individuals affected with MED12-related conditions. Invitae Evidence Modeling of protein sequence and biophysical properties (such as structural, functional, and spatial information, amino acid conservation, physicochemical variation, residue mobility, and thermodynamic stability) indicates that this missense variant is not expected to disrupt MED12 protein function with a negative predictive value of 95%. Algorithms developed to predict the effect of sequence changes on RNA splicing suggest that this variant may create or strengthen a splice site. In summary, the available evidence is currently insufficient to determine the role of this variant in disease. Therefore, it has been classified as a Variant of Uncertain Significance.

NM_005120.3(MED12):c.2204C>T (p.Ala735Val)

Gene: MED12 (mediator complex subunit 12; plus strand). Cytogenetic location: Xq13.1.
Variant type: single nucleotide variant.
Coding change: c.2204C>T on transcript NM_005120.3 (MANE Select); coding-DNA position 2204, C replaced by T.
Protein change: p.Ala735Val; replaces alanine 735 with valine.
Molecular consequence: missense variant.
Genome position (GRCh38, 1-based): chrX:71,125,124, C>T. VCF-style: chrX-71125124-C-T. GRCh37 (hg19) VCF-style: chrX-70344974-C-T.
Other names: short protein forms A735V.
Identifiers: ClinVar variation 4801066 (VCV004801066.1).
Genomic context (GRCh38, chrX:71,125,124, plus strand): 5'-AGGAGAAGATTGAAGGGACCCTTGGGGTTCTTTACGACCAGCCACGACACGTGCAGTACG[C>T]CACCCATTTTCCCATCCCCCAGGTACTATTCCCCAGCACCTTGTGATGATCTGTTTTGAA-3'
Protein context (NP_005111.2, residues 725-745): LYDQPRHVQY[Ala735Val]THFPIPQEES